The following is an entry in ClinVar:

ClinVar aggregate classification (germline): Uncertain significance (1 of 4 stars; one submission).

Allele frequency attached by ClinVar (database versions not stated): gnomAD exomes below 0.00001; gnomAD 0.00001; TOPMed 0.00002.
gnomAD v4.1: 3 of 1,586,208 alleles (0.00019%); highest among the groups gnomAD compares: African/African-American, 0.004%; no homozygotes.

Submission:

Labcorp Genetics (formerly Invitae), Labcorp
Classification: Uncertain significance. Last evaluated: 2022-05-27. Review status: criteria provided, single submitter. Criteria: Invitae Variant Classification Sherloc (09022015). Collection method: clinical testing. Allele origin: germline.
Comment: This sequence change falls in intron 16 of the MYO5B gene. It does not directly change the encoded amino acid sequence of the MYO5B protein. It affects a nucleotide within the consensus splice site. This variant is present in population databases (no rsID available, gnomAD 0.01%). This variant has not been reported in the literature in individuals affected with MYO5B-related conditions. Variants that disrupt the consensus splice site are a relatively common cause of aberrant splicing (PMID: 17576681, 9536098). Algorithms developed to predict the effect of sequence changes on RNA splicing suggest that this variant may disrupt the consensus splice site. In summary, the available evidence is currently insufficient to determine the role of this variant in disease. Therefore, it has been classified as a Variant of Uncertain Significance.

Literature cited by the submitters: PubMed 17576681; PubMed 9536098.

NM_001080467.3(MYO5B):c.2003+5G>C

Gene: MYO5B (myosin VB; minus strand). Cytogenetic location: 18q21.1.
Variant type: single nucleotide variant.
Coding change: c.2003+5G>C on transcript NM_001080467.3 (MANE Select); 5 bases into the intron after coding-DNA position 2003, G replaced by C.
Molecular consequence: intron variant.
Genome position (GRCh38, 1-based): chr18:49,936,247, C>G on the plus strand (G>C on the coding strand, the complement: MYO5B is on the minus strand). VCF-style: chr18-49936247-C-G. GRCh37 (hg19) VCF-style: chr18-47462617-C-G.
Identifiers: ClinVar variation 1928385 (VCV001928385.5), dbSNP rs1346493252, ClinGen allele CA629557968.